The following is an entry in ClinVar:

ClinVar aggregate classification (germline): Uncertain significance. Review status: criteria provided, multiple submitters, no conflicts (2 of 4 stars). 2 submissions from 2 submitters: Uncertain significance (2). Last evaluated 2022-10-31.

Conditions:
Vici syndrome (VICIS). Identifiers: Orphanet 1493, MedGen C1855772, MONDO:0009452, OMIM 242840.

Allele frequency attached by ClinVar (database versions not stated): ExAC 0.00002; TOPMed 0.00003; gnomAD 0.00005.
gnomAD v4.1: 11 of 1,613,112 alleles (0.00068%); highest among the groups gnomAD compares: African/African-American, 0.008%; no homozygotes.

Submissions (2):

GeneDx
Classification: Uncertain significance. Last evaluated: 2022-10-31. Review status: criteria provided, single submitter. Criteria: GeneDx Variant Classification Process June 2021. Collection method: clinical testing. Allele origin: germline. Affected: yes.
Comment: In silico analysis supports that this missense variant does not alter protein structure/function; Has not been previously published as pathogenic or benign to our knowledge

Labcorp Genetics (formerly Invitae), Labcorp
Classification: Uncertain significance for Vici syndrome. Last evaluated: 2022-01-11. Review status: criteria provided, single submitter. Criteria: Invitae Variant Classification Sherloc (09022015). Collection method: clinical testing. Allele origin: germline.
Comment: This sequence change replaces glutamine, which is neutral and polar, with glutamic acid, which is acidic and polar, at codon 1186 of the EPG5 protein (p.Gln1186Glu). This variant is present in population databases (rs780348341, gnomAD 0.02%). This variant has not been reported in the literature in individuals affected with EPG5-related conditions. Algorithms developed to predict the effect of missense changes on protein structure and function are either unavailable or do not agree on the potential impact of this missense change (SIFT: "Tolerated"; PolyPhen-2: "Possibly Damaging"; Align-GVGD: "Class C0"). In summary, the available evidence is currently insufficient to determine the role of this variant in disease. Therefore, it has been classified as a Variant of Uncertain Significance.

NM_020964.3(EPG5):c.3556C>G (p.Gln1186Glu)

Gene: EPG5 (ectopic P-granules 5 autophagy tethering factor; minus strand). Cytogenetic location: 18q21.1.
Variant type: single nucleotide variant.
Coding change: c.3556C>G on transcript NM_020964.3 (MANE Select); coding-DNA position 3556, C replaced by G.
Protein change: p.Gln1186Glu; replaces glutamine 1186 with glutamic acid.
Molecular consequence: missense variant.
Genome position (GRCh38, 1-based): chr18:45,916,035, G>C on the plus strand (C>G on the coding strand, the complement: EPG5 is on the minus strand). VCF-style: chr18-45916035-G-C. GRCh37 (hg19) VCF-style: chr18-43496000-G-C.
Other names: c.3556C>G, p.Gln1186Glu (NM_001410858.1, NM_001410859.1); c.3556C>G (NM_020964.2); short protein forms Q1186E.
Identifiers: ClinVar variation 2189310 (VCV002189310.2), dbSNP rs780348341, ClinGen allele CA8949146.